The following is an entry in ClinVar:

ClinVar aggregate classification (germline): Benign/Likely benign. Review status: criteria provided, multiple submitters, no conflicts (2 of 4 stars). 21 submissions from 14 submitters: Benign (17); Likely benign (3). 1 of the submissions does not count toward it. Last evaluated 2026-02-03.

Conditions:
Cardiovascular phenotype. Identifiers: MedGen CN230736.
Autosomal recessive limb-girdle muscular dystrophy type 2J (LGMDR10). Also called: Limb-girdle muscular dystrophy, type 2J; MUSCULAR DYSTROPHY, LIMB-GIRDLE, AUTOSOMAL RECESSIVE 10. Identifiers: Orphanet 140922, MedGen C1837342, MONDO:0012127, OMIM 608807.
Dilated cardiomyopathy 1G (CMD1G). Identifiers: Orphanet 154, MedGen C1858763, MONDO:0011400, OMIM 604145.
Cardiomyopathy (CMYO). Also called: Cardiomyopathies. Identifiers: Orphanet 167848, MedGen C0878544, MONDO:0004994, HP:0001638. Inheritance: Various modes of inheritance.
Early-onset myopathy with fatal cardiomyopathy (CMYO5). Also called: Salih Myopathy; CONGENITAL MYOPATHY 5 WITH CARDIOMYOPATHY. Identifiers: Orphanet 289377, MedGen C2673677, MONDO:0012714, OMIM 611705. Disease mechanism: loss of function.
Myopathy, myofibrillar, 9, with early respiratory failure (MFM9). Also called: EDSTROM MYOPATHY; Hereditary myopathy with early respiratory failure; MYOPATHY, PROXIMAL, WITH EARLY RESPIRATORY MUSCLE INVOLVEMENT; Myopathy, distal, with early respiratory failure, autosomal dominant. Identifiers: Orphanet 178464, Orphanet 34521, MedGen C1863599, MONDO:0011362, OMIM 603689.
Tibial muscular dystrophy (TMD). Also called: Udd Distal Myopathy – Tibial Muscular Dystrophy; Tibial muscular dystrophy, tardive; UDD MYOPATHY. Identifiers: Orphanet 609, MedGen C1838244, MONDO:0010870, OMIM 600334.

Allele frequency attached by ClinVar (database versions not stated): ExAC 0.00580; gnomAD 0.01698 and 0.01832; ESP Exome Variant Server 0.01741; gnomAD exomes 0.00228 and 0.00522; 1000 Genomes Project 0.01697; 1000 Genomes Project 30x 0.01702; TOPMed 0.01989.
gnomAD v4.1: 6,122 of 1,612,528 alleles (0.38%); highest among the groups gnomAD compares: African/African-American, 5.6%; 123 homozygotes.

Submissions (25):

Labcorp Genetics (formerly Invitae), Labcorp
Classification: Benign for Dilated cardiomyopathy 1G; Autosomal recessive limb-girdle muscular dystrophy type 2J. Last evaluated: 2026-02-03. Review status: criteria provided, single submitter. Criteria: Invitae Variant Classification Sherloc (09022015). Collection method: clinical testing. Allele origin: germline.

ARUP Laboratories, Molecular Genetics and Genomics, ARUP Laboratories
Classification: Benign. Last evaluated: 2025-06-25. Review status: criteria provided, single submitter. Criteria: ARUP Molecular Germline Variant Investigation Process 2024. Collection method: clinical testing. Allele origin: germline.

Molecular Diagnostic Laboratory for Inherited Cardiovascular Disease, Montreal Heart Institute
Classification: Benign. Last evaluated: 2025-04-09. Review status: criteria provided, single submitter. Criteria: ACMG Guidelines, 2015. Collection method: clinical testing. Allele origin: germline. Affected: no.

Genome-Nilou Lab
Classification: Benign for Autosomal recessive limb-girdle muscular dystrophy type 2J. Last evaluated: 2021-09-10. Review status: criteria provided, single submitter. Criteria: ACMG Guidelines, 2015. Collection method: clinical testing. Allele origin: germline. Affected: no.

Genome-Nilou Lab
Classification: Benign for Myopathy, myofibrillar, 9, with early respiratory failure. Last evaluated: 2021-09-10. Review status: criteria provided, single submitter. Criteria: ACMG Guidelines, 2015. Collection method: clinical testing. Allele origin: germline. Affected: no.

Genome-Nilou Lab
Classification: Benign for Early-onset myopathy with fatal cardiomyopathy. Last evaluated: 2021-09-10. Review status: criteria provided, single submitter. Criteria: ACMG Guidelines, 2015. Collection method: clinical testing. Allele origin: germline. Affected: no.

Genome-Nilou Lab
Classification: Benign for Tibial muscular dystrophy. Last evaluated: 2021-09-10. Review status: criteria provided, single submitter. Criteria: ACMG Guidelines, 2015. Collection method: clinical testing. Allele origin: germline. Affected: no.

Women's Health and Genetics/Laboratory Corporation of America, LabCorp
Classification: Likely benign. Last evaluated: 2020-02-01. Review status: criteria provided, single submitter. Criteria: LabCorp Variant Classification Summary - May 2015. Collection method: clinical testing. Allele origin: germline.

Mayo Clinic Laboratories, Mayo Clinic
Classification: Benign. Last evaluated: 2018-03-02. Review status: criteria provided, single submitter. Criteria: ACMG Guidelines, 2015. Collection method: clinical testing. Allele origin: germline. Observed: 34 variant alleles.

Illumina Laboratory Services, Illumina
Classification: Likely benign for Dilated cardiomyopathy 1G. Last evaluated: 2018-01-13. Review status: criteria provided, single submitter. Criteria: ICSL Variant Classification Criteria 13 December 2019. Collection method: clinical testing. Allele origin: germline.
Comment: This variant was observed in the ICSL laboratory as part of a predisposition screen in an ostensibly healthy population. It had not been previously curated by ICSL or reported in the Human Gene Mutation Database (HGMD: prior to June 1st, 2018), and was therefore a candidate for classification through an automated scoring system. Utilizing variant allele frequency, disease prevalence and penetrance estimates, and inheritance mode, an automated score was calculated to assess if this variant is too frequent to cause the disease. Based on the score and internal cut-off values, a variant classified as likely benign is not then subjected to further curation. The score for this variant resulted in a classification of likely benign for this disease.

Illumina Laboratory Services, Illumina
Classification: Benign for Early-onset myopathy with fatal cardiomyopathy. Last evaluated: 2018-01-13. Review status: criteria provided, single submitter. Criteria: ICSL Variant Classification Criteria 13 December 2019. Collection method: clinical testing. Allele origin: germline.
Comment: This variant was observed in the ICSL laboratory as part of a predisposition screen in an ostensibly healthy population. It had not been previously curated by ICSL or reported in the Human Gene Mutation Database (HGMD: prior to June 1st, 2018), and was therefore a candidate for classification through an automated scoring system. Utilizing variant allele frequency, disease prevalence and penetrance estimates, and inheritance mode, an automated score was calculated to assess if this variant is too frequent to cause the disease. Based on the score and internal cut-off values, a variant classified as benign is not then subjected to further curation. The score for this variant resulted in a classification of benign for this disease.

Illumina Laboratory Services, Illumina
Classification: Benign for Myopathy, myofibrillar, 9, with early respiratory failure. Last evaluated: 2018-01-13. Review status: criteria provided, single submitter. Criteria: ICSL Variant Classification Criteria 13 December 2019. Collection method: clinical testing. Allele origin: germline.
Comment: the same text as in the submission from Illumina Laboratory Services, Illumina above.

Illumina Laboratory Services, Illumina
Classification: Benign for Autosomal recessive limb-girdle muscular dystrophy type 2J. Last evaluated: 2018-01-13. Review status: criteria provided, single submitter. Criteria: ICSL Variant Classification Criteria 13 December 2019. Collection method: clinical testing. Allele origin: germline.
Comment: the same text as in the submission from Illumina Laboratory Services, Illumina above.

Illumina Laboratory Services, Illumina
Classification: Benign for Tibial muscular dystrophy. Last evaluated: 2018-01-13. Review status: criteria provided, single submitter. Criteria: ICSL Variant Classification Criteria 13 December 2019. Collection method: clinical testing. Allele origin: germline.
Comment: the same text as in the submission from Illumina Laboratory Services, Illumina above.

CHEO Genetics Diagnostic Laboratory, Children's Hospital of Eastern Ontario
Classification: Benign for Cardiomyopathy. Last evaluated: 2015-10-23. Review status: criteria provided, single submitter. Criteria: ACMG Guidelines, 2015. Collection method: clinical testing. Allele origin: germline. Study: Canadian Open Genetics Repository.

Biesecker Lab/Clinical Genomics Section, National Institutes of Health
Classification: Benign. Last evaluated: 2013-06-24. Review status: criteria provided, single submitter. Criteria: Ng et al. (Circ Cardiovasc Genet. 2013). Collection method: research. Allele origin: unknown. Observed: 10 variant alleles. Study: ClinSeq.
Comment: The study set was not selected for affection status in relation to any cancer. Pathogenicity categories were based on literature curation. See Pubmed ID:23861362 for details.

Medical sequencing

GeneDx
Classification: Benign. Last evaluated: 2013-04-26. Review status: criteria provided, single submitter. Criteria: GeneDx Variant Classification (06012015). Collection method: clinical testing. Allele origin: germline. Affected: yes.
Comment: This variant is considered likely benign or benign based on one or more of the following criteria: it is a conservative change, it occurs at a poorly conserved position in the protein, it is predicted to be benign by multiple in silico algorithms, and/or has population frequency not consistent with disease.

Ambry Genetics
Classification: Benign for Cardiovascular phenotype. Last evaluated: 2013-01-24. Review status: criteria provided, single submitter. Criteria: Ambry Autosomal Dominant and X-Linked criteria (10/2015). Collection method: clinical testing. Allele origin: germline. Observed: 1 variant allele.

Laboratory for Molecular Medicine, Mass General Brigham Personalized Medicine
Classification: Benign. Last evaluated: 2012-04-25. Review status: criteria provided, single submitter. Criteria: LMM Criteria. Collection method: clinical testing. Allele origin: germline. Observed: 32 variant alleles.

Breakthrough Genomics
Classification: Likely benign. Review status: criteria provided, single submitter. Criteria: ACMG Guidelines, 2015. Collection method: not provided. Allele origin: germline. Inheritance: Autosomal recessive inheritance. Affected: yes.

Dr. Peter K. Rogan Lab, Western University
No classification provided (evidence only). Condition: Clear cell carcinoma of kidney. Review status: no classification provided. Collection method: in vitro. Allele origin: not applicable. Functional consequence: retained intron. Not counted in ClinVar's aggregate classification.

Dr. Peter K. Rogan Lab, Western University
No classification provided (evidence only). Condition: Acute myeloid leukemia. Review status: no classification provided. Collection method: in vitro. Allele origin: not applicable. Functional consequence: retained intron. Not counted in ClinVar's aggregate classification.

Dr. Peter K. Rogan Lab, Western University
No classification provided (evidence only). Condition: Thyroid cancer, nonmedullary, 1. Review status: no classification provided. Collection method: in vitro. Allele origin: not applicable. Functional consequence: retained intron. Not counted in ClinVar's aggregate classification.

Dr. Peter K. Rogan Lab, Western University
No classification provided (evidence only). Condition: Cervical cancer. Review status: no classification provided. Collection method: in vitro. Allele origin: not applicable. Functional consequence: retained intron. Not counted in ClinVar's aggregate classification.

Genetic Services Laboratory, University of Chicago
Classification: Likely benign for AllHighlyPenetrant. Review status: no assertion criteria provided. Collection method: clinical testing. Allele origin: germline. Not counted in ClinVar's aggregate classification.
Comment: Likely benign based on allele frequency in 1000 Genomes Project or ESP global frequency and its presence in a patient with a rare or unrelated disease phenotype. NOT Sanger confirmed.

NM_001267550.2(TTN):c.45206A>T (p.Glu15069Val)

Genes: TTN (titin; minus strand), LOC126806427 (BRD4-independent group 4 enhancer GRCh37_chr2:179485777-179486976; plus strand). Cytogenetic location: 2q31.2.
Variant type: single nucleotide variant.
Coding change: c.45206A>T on transcript NM_001267550.2 (MANE Select); coding-DNA position 45206, A replaced by T.
Protein change: p.Glu15069Val; replaces glutamic acid 15069 with valine.
Molecular consequence: missense variant.
Genome position (GRCh38, 1-based): chr2:178,621,618, T>A on the plus strand (A>T on the coding strand, the complement: TTN is on the minus strand). VCF-style: chr2-178621618-T-A. GRCh37 (hg19) VCF-style: chr2-179486345-T-A.
Other names: p.E13428V:GAG>GTG; c.40283A>T, p.Glu13428Val (NM_001256850.1); c.37502A>T, p.Glu12501Val (NM_133378.4); c.18386A>T, p.Glu6129Val (NM_133432.3); c.18011A>T, p.Glu6004Val (NM_003319.4); c.18587A>T, p.Glu6196Val (NM_133437.4); short protein forms E15069V, E12501V, E13428V, E6129V, E6196V, E6004V.
Identifiers: ClinVar variation 46983 (VCV000046983.43), dbSNP rs114331773, ClinGen allele CA283264.